The following is an entry in ClinVar:

NM_020458.4(TTC7A):c.640T>C (p.Leu214=)

Genes: TTC7A (tetratricopeptide repeat domain 7A; plus strand), LOC126806211 (CDK7 strongly-dependent group 2 enhancer GRCh37_chr2:47201305-47202504; plus strand). Cytogenetic location: 2p21.
Variant type: single nucleotide variant.
Coding change: c.640T>C on transcript NM_020458.4 (MANE Select); coding-DNA position 640, T replaced by C.
Protein change: p.Leu214=; no amino-acid change (leucine 214 retained).
Molecular consequence: synonymous variant. On other transcripts: 5 prime UTR variant (1).
Genome position (GRCh38, 1-based): chr2:46,975,095, T>C. VCF-style: chr2-46975095-T-C. GRCh37 (hg19) VCF-style: chr2-47202234-T-C.
Other names: c.640T>C, p.Leu214= (LRG_1323t1, NM_001288951.2); c.538T>C, p.Leu180= (NM_001288953.2); c.-265T>C (NM_001288955.2).
Identifiers: ClinVar variation 458802 (VCV000458802.14), dbSNP rs57585816, ClinGen allele CA1647278.

ClinVar aggregate classification (germline): Benign. Review status: criteria provided, multiple submitters, no conflicts (2 of 4 stars). 3 submissions from 3 submitters: Benign (2). 1 of the submissions does not count toward it. Last evaluated 2026-01-27.

Conditions:
TTC7A-related disorder. Also called: TTC7A-related condition.
Multiple gastrointestinal atresias. Also called: Multiple intestinal atresia; FAMILIAL INTESTINAL POLYATRESIA SYNDROME. Identifiers: Orphanet 2300, MedGen C0220744, MONDO:0009465.

Allele frequency attached by ClinVar (database versions not stated): gnomAD exomes 0.00235; ExAC 0.00289; gnomAD 0.00874 and 0.00926; ESP Exome Variant Server 0.01115; TOPMed 0.01013; 1000 Genomes Project 30x 0.01093; 1000 Genomes Project 0.01098.
gnomAD v4.1: 2,763 of 1,613,662 alleles (0.17%); highest among the groups gnomAD compares: African/African-American, 3.1%; 32 homozygotes.

Submissions (3):

Labcorp Genetics (formerly Invitae), Labcorp
Classification: Benign for Multiple gastrointestinal atresias. Last evaluated: 2026-01-27. Review status: criteria provided, single submitter. Criteria: Invitae Variant Classification Sherloc (09022015). Collection method: clinical testing. Allele origin: germline.

Breakthrough Genomics
Classification: Benign. Review status: criteria provided, single submitter. Criteria: ACMG Guidelines, 2015. Collection method: not provided. Allele origin: germline. Inheritance: Autosomal recessive inheritance. Affected: yes.

PreventionGenetics, part of Exact Sciences
Classification: Benign for TTC7A-related condition. Last evaluated: 2019-07-08. Review status: no assertion criteria provided. Collection method: clinical testing. Allele origin: germline. Not counted in ClinVar's aggregate classification.
Comment: This variant is classified as benign based on ACMG/AMP sequence variant interpretation guidelines (Richards et al. 2015 PMID: 25741868, with internal and published modifications).